The following is an entry in ClinVar:

ClinVar aggregate classification (germline): Benign/Likely benign. Review status: criteria provided, multiple submitters, no conflicts (2 of 4 stars). 3 submissions from 3 submitters: Benign (1); Likely benign (2). Last evaluated 2024-09-11.

Allele frequency attached by ClinVar (database versions not stated): gnomAD exomes 0.00033 and 0.00085; gnomAD 0.00315 and 0.00331; ESP Exome Variant Server 0.00344; 1000 Genomes Project 30x 0.00390; TOPMed 0.00397; 1000 Genomes Project 0.00419.
gnomAD v4.1: 970 of 1,613,842 alleles (0.06%); highest among the groups gnomAD compares: African/African-American, 0.97%; 4 homozygotes.

Submissions (3):

Blueprint Genetics
Classification: Likely benign. Last evaluated: 2024-09-11. Review status: criteria provided, single submitter. Criteria: ACMG Guidelines, 2015. Collection method: clinical testing. Allele origin: germline.

CeGaT Center for Human Genetics Tuebingen
Classification: Likely benign. Last evaluated: 2024-09-01. Review status: criteria provided, single submitter. Criteria: CeGaT Center For Human Genetics Tuebingen Variant Classification Criteria Version 2. Collection method: clinical testing. Allele origin: germline. Affected: yes. Observed: 2 variant alleles.
Comment: VARS1: BP4, BP7

Labcorp Genetics (formerly Invitae), Labcorp
Classification: Benign. Last evaluated: 2018-07-06. Review status: criteria provided, single submitter. Criteria: Invitae Variant Classification Sherloc (09022015). Collection method: clinical testing. Allele origin: germline.

NM_006295.3(VARS1):c.858C>T (p.Pro286=)

Genes: VARS1 (valyl-tRNA synthetase 1; minus strand), LOC126859651 (CDK7 strongly-dependent group 2 enhancer GRCh37_chr6:31759783-31760982; plus strand). Cytogenetic location: 6p21.33.
Variant type: single nucleotide variant.
Coding change: c.858C>T on transcript NM_006295.3 (MANE Select); coding-DNA position 858, C replaced by T.
Protein change: p.Pro286=; no amino-acid change (proline 286 retained).
Molecular consequence: synonymous variant.
Genome position (GRCh38, 1-based): chr6:31,792,230, G>A on the plus strand (C>T on the coding strand, the complement: VARS1 is on the minus strand). VCF-style: chr6-31792230-G-A. GRCh37 (hg19) VCF-style: chr6-31760007-G-A.
Identifiers: ClinVar variation 708429 (VCV000708429.28), dbSNP rs143525707, ClinGen allele CA3723460.
Genomic context (GRCh38, chr6:31,792,230, plus strand): 5'-ACTTAGAAGGGGCTGCTGAGGGGTGAGCCCCTTCCCACTCCTAGTACCTTTCTTTTCCCC[G>A]GGTGGGGTTGGGAGGTCATAGGTAATGACCCCAGGATCCCGTTTCTCCCTCTTCTCTGGT-3'
Protein context (NP_006286.1, residues 276-296): GVITYDLPTP[Pro286=]GEKKDVSGPM